The following is an entry in ClinVar:

NM_000112.4(SLC26A2):c.1537_1541dup (p.Ile514fs)

Gene: SLC26A2 (solute carrier family 26 member 2; plus strand). Cytogenetic location: 5q32.
Variant type: Duplication.
Coding change: c.1537_1541dup on transcript NM_000112.4 (MANE Select); coding-DNA positions 1537 to 1541, 5 bases duplicated (GTTAT; older notation c.1537_1541dupGTTAT).
Protein change: p.Ile514fs; shifts the reading frame from isoleucine 514.
Molecular consequence: frameshift variant.
Genome position (GRCh38, 1-based): chr5:149,981,130-149,981,134, GTTAT duplicated. VCF-style (leftmost placement, unchanged base first): chr5-149981129-A-AGTTAT. GRCh37 (hg19) VCF-style: chr5-149360692-A-AGTTAT.
Other names: c.1537_1541dupGTTAT (NM_000112.3); short protein forms I514fs.
Identifiers: ClinVar variation 371758 (VCV000371758.13), dbSNP rs1057517511, ClinGen allele CA16040997.
Genomic context (GRCh38, chr5:149,981,129, plus strand): 5'-GGGAGCCCTTCGTAAATTTAGGGATCTTCCCAAAATGTGGAGTATTAGTAGAATGGATAC[A>AGTTAT]GTTATCTGGTTTGTTACTATGCTGTCCTCTGCACTGCTAAGTACTGAAATAGGCCTACTT-3'

ClinVar aggregate classification (germline): Pathogenic/Likely pathogenic. Review status: criteria provided, multiple submitters, no conflicts (2 of 4 stars). 8 submissions from 5 submitters: Pathogenic (1); Likely pathogenic (3). 4 of the submissions do not count toward it. Last evaluated 2024-11-08.

Conditions:
Multiple epiphyseal dysplasia type 4 (EDM4). Also called: MULTIPLE EPIPHYSEAL DYSPLASIA WITH BILAYERED PATELLAE; MULTIPLE EPIPHYSEAL DYSPLASIA WITH CLUBFOOT; MULTIPLE EPIPHYSEAL DYSPLASIA, AUTOSOMAL RECESSIVE; Multiple Epiphyseal Dysplasia, Recessive; SLC26A2-Related Multiple Epiphyseal Dysplasia. Identifiers: Orphanet 93307, MedGen C1847593, MONDO:0009189, OMIM 226900.
Diastrophic dysplasia (DTD). Also called: Diastrophic dwarfism. Identifiers: Orphanet 628, MedGen C0220726, MONDO:0009107, OMIM 222600.
Achondrogenesis, type IB (ACG1B). Also called: Achondrogenesis Type 1B. Identifiers: Orphanet 932, Orphanet 93298, MedGen C0265274, MONDO:0010966, OMIM 600972.
Atelosteogenesis type II (AO2). Also called: NEONATAL OSSEOUS DYSPLASIA I; Neonatal osseous dysplasia 1; SLC26A2-Related Atelosteogenesis. Identifiers: Orphanet 56304, MedGen C1850554, MONDO:0009727, OMIM 256050.

Allele frequency attached by ClinVar (database versions not stated): gnomAD exomes below 0.00001 and 0.00002.

Submissions (8):

Labcorp Genetics (formerly Invitae), Labcorp
Classification: Pathogenic for Atelosteogenesis type II; Multiple epiphyseal dysplasia type 4; Achondrogenesis, type IB; Diastrophic dysplasia. Last evaluated: 2024-11-08. Review status: criteria provided, single submitter. Criteria: Invitae Variant Classification Sherloc (09022015). Collection method: clinical testing. Allele origin: germline.
Comment: This sequence change creates a premature translational stop signal (p.Ile514Metfs*14) in the SLC26A2 gene. While this is not anticipated to result in nonsense mediated decay, it is expected to disrupt the last 226 amino acid(s) of the SLC26A2 protein. This variant is present in population databases (no rsID available, gnomAD 0.0009%). This variant has not been reported in the literature in individuals affected with SLC26A2-related conditions. ClinVar contains an entry for this variant (Variation ID: 371758). This variant disrupts a region of the SLC26A2 protein in which other variant(s) (p.Glu703Glyfs*9) have been determined to be pathogenic (internal data). This suggests that this is a clinically significant region of the protein, and that variants that disrupt it are likely to be disease-causing. For these reasons, this variant has been classified as Pathogenic.

Natera, Inc.
Classification: Likely pathogenic for Achondrogenesis type IB. Last evaluated: 2024-09-04. Review status: criteria provided, single submitter. Criteria: Natera Variant Classification Schema (03/2026). Collection method: clinical testing. Allele origin: germline.
Comment: The c.1537_1541dupGTTAT variant in SLC26A2 is a frameshift variant predicted to shift the reading frame beginning at codon 514 and leads to a stop codon 14 codons downstream. This variant is expected to result in nonsense mediated decay, truncation, or a dysfunctional protein product. This variant is rare in the general population with a frequency below the threshold expected for the associated phenotype(s). Given the available evidence, this variant is classified as Likely Pathogenic.

Baylor Genetics
Classification: Likely pathogenic for Achondrogenesis, type IB. Last evaluated: 2024-02-20. Review status: criteria provided, single submitter. Criteria: ACMG Guidelines, 2015. Collection method: clinical testing. Allele origin: unknown.

Fulgent Genetics
Classification: Likely pathogenic for Diastrophic dysplasia; Multiple epiphyseal dysplasia type 4; Atelosteogenesis type II; Achondrogenesis, type IB. Last evaluated: 2024-02-17. Review status: criteria provided, single submitter. Criteria: ACMG Guidelines, 2015. Collection method: clinical testing. Allele origin: germline.

Counsyl
Classification: Likely pathogenic for Diastrophic dysplasia. Last evaluated: 2016-07-18. Review status: no assertion criteria provided. Collection method: clinical testing. Allele origin: unknown. Not counted in ClinVar's aggregate classification.

Counsyl
Classification: Likely pathogenic for Multiple epiphyseal dysplasia type 4. Last evaluated: 2016-07-18. Review status: no assertion criteria provided. Collection method: clinical testing. Allele origin: unknown. Not counted in ClinVar's aggregate classification.

Counsyl
Classification: Likely pathogenic for Atelosteogenesis type II. Last evaluated: 2016-07-18. Review status: no assertion criteria provided. Collection method: clinical testing. Allele origin: unknown. Not counted in ClinVar's aggregate classification.

Counsyl
Classification: Likely pathogenic for Achondrogenesis, type IB. Last evaluated: 2016-07-18. Review status: no assertion criteria provided. Collection method: clinical testing. Allele origin: unknown. Not counted in ClinVar's aggregate classification.